The following is an entry in ClinVar:

NM_001946.4(DUSP6):c.1048A>T (p.Ser350Cys)

Genes: DUSP6 (dual specificity phosphatase 6; minus strand), POC1B-DUSP6 (POC1B-DUSP6 readthrough; minus strand). Cytogenetic location: 12q21.33.
Variant type: single nucleotide variant.
Coding change: c.1048A>T on transcript NM_001946.4 (MANE Select); coding-DNA position 1048, A replaced by T.
Protein change: p.Ser350Cys; replaces serine 350 with cysteine.
Molecular consequence: missense variant.
Genome position (GRCh38, 1-based): chr12:89,349,352, T>A on the plus strand (A>T on the coding strand, the complement: DUSP6 is on the minus strand). VCF-style: chr12-89349352-T-A. GRCh37 (hg19) VCF-style: chr12-89743129-T-A.
Other names: c.610A>T, p.Ser204Cys (NM_022652.4); short protein forms S204C, S350C.
Identifiers: ClinVar variation 3364485 (VCV003364485.1).

ClinVar aggregate classification (germline): Uncertain significance (1 of 4 stars; one submission).

Submission:

GeneDx
Classification: Uncertain significance. Last evaluated: 2023-11-16. Review status: criteria provided, single submitter. Criteria: GeneDx Variant Classification Process June 2021. Collection method: clinical testing. Allele origin: germline. Affected: yes.
Comment: Not observed at significant frequency in large population cohorts (gnomAD); In silico analysis supports that this missense variant does not alter protein structure/function; Has not been previously published as pathogenic or benign to our knowledge